The following is an entry in ClinVar:

NM_000481.4(AMT):c.822_836dup (p.Glu279_His280insAsnAspIleAspGlu)

Gene: AMT (aminomethyltransferase; minus strand). Cytogenetic location: 3p21.31.
Variant type: Duplication.
Coding change: c.822_836dup on transcript NM_000481.4 (MANE Select); coding-DNA positions 822 to 836, 15 bases duplicated (GAATGACATTGATGA).
Protein change: p.Glu279_His280insAsnAspIleAspGlu.
Molecular consequence: inframe insertion. On other transcripts: non-coding transcript variant (1).
Genome position (GRCh38, 1-based): chr3:49,419,012-49,419,026, TCATCAATGTCATTC duplicated on the plus strand (GAATGACATTGATGA on the coding strand, the reverse complement: AMT is on the minus strand). VCF-style (leftmost placement, unchanged base first): chr3-49419011-T-TTCATCAATGTCATTC. GRCh37 (hg19) VCF-style: chr3-49456444-T-TTCATCAATGTCATTC.
Other names: c.690_704dup, p.Glu235_His236insAsnAspIleAspGlu (NM_001164710.2); c.654_668dup, p.Glu223_His224insAsnAspIleAspGlu (NM_001164711.2); c.822_836dup, p.Glu279_His280insAsnAspIleAspGlu (NM_001164712.2).
Identifiers: ClinVar variation 1958416 (VCV001958416.5), dbSNP rs1458835435, ClinGen allele CA907828478.

ClinVar aggregate classification (germline): Uncertain significance (1 of 4 stars; one submission).

Conditions:
Glycine encephalopathy. Also called: Non-ketotic hyperglycinemia; Nonketotic hyperglycinemia. Identifiers: Orphanet 407, MedGen C0751748, MONDO:0011612, HP:0008288.

Submission:

Labcorp Genetics (formerly Invitae), Labcorp
Classification: Uncertain significance for Glycine encephalopathy. Last evaluated: 2023-07-17. Review status: criteria provided, single submitter. Criteria: Invitae Variant Classification Sherloc (09022015). Collection method: clinical testing. Allele origin: germline.
Comment: In summary, the available evidence is currently insufficient to determine the role of this variant in disease. Therefore, it has been classified as a Variant of Uncertain Significance. Experimental studies and prediction algorithms are not available or were not evaluated, and the functional significance of this variant is currently unknown. This variant has not been reported in the literature in individuals affected with AMT-related conditions. ClinVar contains an entry for this variant (Variation ID: 1958416). This variant is not present in population databases (gnomAD no frequency). This variant, c.822_836dup, results in the insertion of 5 amino acid(s) of the AMT protein (p.Asn275_Glu279dup), but otherwise preserves the integrity of the reading frame.